The following is an entry in ClinVar:

ClinVar aggregate classification (germline): Likely benign. Review status: criteria provided, multiple submitters, no conflicts (2 of 4 stars). 2 submissions from 2 submitters: Likely benign (2). Last evaluated 2026-07-20.

Conditions:
Peroxisome biogenesis disorder 2B (PBD2B). Identifiers: Orphanet 44, MedGen C3550234, MONDO:0008736, OMIM 202370.
PEX5-related disorder. Also called: PEX5-related condition; PEX5-Related Disorders.

Allele frequency attached by ClinVar (database versions not stated): gnomAD exomes 0.00001 and 0.00002; ExAC 0.00002; TOPMed 0.00002; gnomAD 0.00004.
gnomAD v4.1: 31 of 1,614,102 alleles (0.0019%); highest among the groups gnomAD compares: Non-Finnish European, 0.0025%; no homozygotes.

Submissions (2):

PreventionGenetics, part of Exact Sciences
Classification: Likely benign for PEX5-related condition. Last evaluated: 2026-07-20. Review status: criteria provided, single submitter. Criteria: ACMG Guidelines, 2015. Collection method: clinical testing. Allele origin: germline.
Comment: This variant is classified as likely benign based on ACMG/AMP sequence variant interpretation guidelines (Richards et al. 2015 PMID: 25741868, with internal and published modifications).

Labcorp Genetics (formerly Invitae), Labcorp
Classification: Likely benign for Peroxisome biogenesis disorder 2B. Last evaluated: 2025-08-22. Review status: criteria provided, single submitter. Criteria: Invitae Variant Classification Sherloc (09022015). Collection method: clinical testing. Allele origin: germline.

NM_001351132.2(PEX5):c.1695C>T (p.Ser565=)

Gene: PEX5 (peroxisomal biogenesis factor 5; plus strand). Cytogenetic location: 12p13.31.
Variant type: single nucleotide variant.
Coding change: c.1695C>T on transcript NM_001351132.2 (MANE Select); coding-DNA position 1695, C replaced by T.
Protein change: p.Ser565=; no amino-acid change (serine 565 retained).
Molecular consequence: synonymous variant.
Genome position (GRCh38, 1-based): chr12:7,209,817, C>T. VCF-style: chr12-7209817-C-T. GRCh37 (hg19) VCF-style: chr12-7362413-C-T.
Other names: c.1671C>T, p.Ser557= (NM_000319.5); c.1740C>T, p.Ser580= (NM_001131023.2); c.1584C>T, p.Ser528= (NM_001131024.2, NM_001351124.3, NM_001351126.2 and 7 more transcripts); c.1695C>T, p.Ser565= (NM_001131025.2, NM_001131026.2, NM_001300789.3 and 4 more transcripts); c.1629C>T, p.Ser543= (NM_001351135.3, NM_001351138.2); c.1686C>T, p.Ser562= (NM_001351136.2); c.1560C>T, p.Ser520= (NM_001351139.2, NM_001351140.2, NM_001374649.2).
Identifiers: ClinVar variation 745728 (VCV000745728.10), dbSNP rs755547376, ClinGen allele CA6426547.